The following is an entry in ClinVar:

ClinVar aggregate classification (germline): Uncertain significance (1 of 4 stars; one submission).

Submission:

GeneDx
Classification: Uncertain significance. Last evaluated: 2025-02-11. Review status: criteria provided, single submitter. Criteria: GeneDx Variant Classification Process June 2021. Collection method: clinical testing. Allele origin: germline. Affected: yes.
Comment: Not observed at significant frequency in large population cohorts (gnomAD); In silico analysis supports that this missense variant has a deleterious effect on protein structure/function; Has not been previously published as pathogenic or benign to our knowledge

NM_001318852.2(MAPK8IP3):c.1612C>G (p.Gln538Glu)

Gene: MAPK8IP3 (mitogen-activated protein kinase 8 interacting protein 3; plus strand). Cytogenetic location: 16p13.3.
Variant type: single nucleotide variant.
Coding change: c.1612C>G on transcript NM_001318852.2 (MANE Select); coding-DNA position 1612, C replaced by G.
Protein change: p.Gln538Glu; replaces glutamine 538 with glutamic acid.
Molecular consequence: missense variant.
Genome position (GRCh38, 1-based): chr16:1,762,423, C>G. VCF-style: chr16-1762423-C-G. GRCh37 (hg19) VCF-style: chr16-1812424-C-G.
Other names: c.1591C>G, p.Gln531Glu (NM_001040439.2); c.1609C>G, p.Gln537Glu (NM_015133.5); short protein forms Q531E, Q537E, Q538E.
Identifiers: ClinVar variation 4075554 (VCV004075554.1).